The following is an entry in ClinVar:

NM_005052.3(RAC3):c.86C>G (p.Pro29Arg)

Gene: RAC3 (Rac family small GTPase 3; plus strand). Cytogenetic location: 17q25.3.
Variant type: single nucleotide variant.
Coding change: c.86C>G on transcript NM_005052.3 (MANE Select); coding-DNA position 86, C replaced by G.
Protein change: p.Pro29Arg; replaces proline 29 with arginine.
Molecular consequence: missense variant.
Genome position (GRCh38, 1-based): chr17:82,032,437, C>G. VCF-style: chr17-82032437-C-G. GRCh37 (hg19) VCF-style: chr17-79990313-C-G.
Other names: c.86C>G, p.Pro29Arg (NM_001316307.2); short protein forms P29R.
Identifiers: ClinVar variation 2583144 (VCV002583144.1), dbSNP rs1568018697, ClinGen allele CA401552529.

ClinVar aggregate classification (germline): Likely pathogenic (1 of 4 stars; one submission).

Conditions:
Neurodevelopmental disorder with structural brain anomalies and dysmorphic facies (NEDBAF). Identifiers: Orphanet 659609, MedGen C5231416, MONDO:0032820, OMIM 618577.

Submission:

Human Genetics Bochum, Ruhr University Bochum
Classification: Likely pathogenic for Neurodevelopmental disorder with structural brain anomalies and dysmorphic facies. Last evaluated: 2023-06-13. Review status: criteria provided, single submitter. Criteria: ACMG Guidelines, 2015. Collection method: clinical testing. Allele origin: germline. Affected: yes.
Comment: ACMG criteria used to clasify this variant: PS2_MOD, PM5, PM2_SUP, PP3